The following is an entry in ClinVar:

ClinVar aggregate classification (germline): Uncertain significance (1 of 4 stars; one submission).

Conditions:
Vitamin B2 deficiency. Identifiers: MedGen C0035528.

gnomAD v4.1: 12 of 1,613,504 alleles (0.00074%); highest among the groups gnomAD compares: Admixed American, 0.0017%; no homozygotes.

Submission:

Labcorp Genetics (formerly Invitae), Labcorp
Classification: Uncertain significance for Vitamin B2 deficiency. Last evaluated: 2025-12-11. Review status: criteria provided, single submitter. Criteria: Invitae Variant Classification Sherloc (09022015). Collection method: clinical testing. Allele origin: germline.
Comment: This sequence change replaces alanine, which is neutral and non-polar, with valine, which is neutral and non-polar, at codon 414 of the SLC52A1 protein (p.Ala414Val). This variant is present in population databases (rs147687964, gnomAD 0.005%). This variant has not been reported in the literature in individuals affected with SLC52A1-related conditions. Invitae Evidence Modeling of protein sequence and biophysical properties (such as structural, functional, and spatial information, amino acid conservation, physicochemical variation, residue mobility, and thermodynamic stability) indicates that this missense variant is not expected to disrupt SLC52A1 protein function with a negative predictive value of 80%. In summary, the available evidence is currently insufficient to determine the role of this variant in disease. Therefore, it has been classified as a Variant of Uncertain Significance.

NM_017986.4(SLC52A1):c.1241C>T (p.Ala414Val)

Gene: SLC52A1 (solute carrier family 52 member 1; minus strand). Cytogenetic location: 17p13.2.
Variant type: single nucleotide variant.
Coding change: c.1241C>T on transcript NM_017986.4 (MANE Select); coding-DNA position 1241, C replaced by T.
Protein change: p.Ala414Val; replaces alanine 414 with valine.
Molecular consequence: missense variant.
Genome position (GRCh38, 1-based): chr17:5,033,063, G>A on the plus strand (C>T on the coding strand, the complement: SLC52A1 is on the minus strand). VCF-style: chr17-5033063-G-A. GRCh37 (hg19) VCF-style: chr17-4936358-G-A.
Other names: c.1241C>T, p.Ala414Val (NM_001104577.2); short protein forms A414V.
Identifiers: ClinVar variation 4699138 (VCV004699138.1).